The following is an entry in ClinVar:

ClinVar aggregate classification (germline): Likely pathogenic (1 of 4 stars; one submission).

Conditions:
Deficiency of isobutyryl-CoA dehydrogenase. Also called: ACAD8 DEFICIENCY; IBD DEFICIENCY; ACYL-CoA DEHYDROGENASE FAMILY, MEMBER 8, DEFICIENCY OF. Identifiers: Orphanet 79159, MedGen C1969809, MONDO:0012648, OMIM 611283.

Allele frequency attached by ClinVar (database versions not stated): TOPMed below 0.00001; gnomAD 0.00001 and 0.00003; gnomAD exomes 0.00002 and 0.00004; ExAC 0.00005; 1000 Genomes Project 30x 0.00031.
gnomAD v4.1: 30 of 1,614,198 alleles (0.0019%); highest among the groups gnomAD compares: South Asian, 0.031%; no homozygotes.

Submission:

Labcorp Genetics (formerly Invitae), Labcorp
Classification: Likely pathogenic for Deficiency of isobutyryl-CoA dehydrogenase. Last evaluated: 2022-01-13. Review status: criteria provided, single submitter. Criteria: Invitae Variant Classification Sherloc (09022015). Collection method: clinical testing. Allele origin: germline.
Comment: This sequence change replaces serine, which is neutral and polar, with phenylalanine, which is neutral and non-polar, at codon 282 of the ACAD8 protein (p.Ser282Phe). In summary, the currently available evidence indicates that the variant is pathogenic, but additional data are needed to prove that conclusively. Therefore, this variant has been classified as Likely Pathogenic. Advanced modeling of protein sequence and biophysical properties (such as structural, functional, and spatial information, amino acid conservation, physicochemical variation, residue mobility, and thermodynamic stability) performed at Invitae indicates that this missense variant is expected to disrupt ACAD8 protein function. This missense change has been observed in individual(s) with clinical features of isobutyryl-CoA dehydrogenase deficiency (PMID: 28053874; Invitae). This variant is present in population databases (rs770663870, gnomAD 0.04%).

Literature cited by the submitters: PubMed 28053874.

NM_014384.3(ACAD8):c.845C>T (p.Ser282Phe)

Gene: ACAD8 (acyl-CoA dehydrogenase family member 8; plus strand). Cytogenetic location: 11q25.
Variant type: single nucleotide variant.
Coding change: c.845C>T on transcript NM_014384.3 (MANE Select); coding-DNA position 845, C replaced by T.
Protein change: p.Ser282Phe; replaces serine 282 with phenylalanine.
Molecular consequence: missense variant.
Genome position (GRCh38, 1-based): chr11:134,261,278, C>T. VCF-style: chr11-134261278-C-T. GRCh37 (hg19) VCF-style: chr11-134131172-C-T.
Other names: short protein forms S282F.
Identifiers: ClinVar variation 1499156 (VCV001499156.8), dbSNP rs770663870, ClinGen allele CA6373112.